The following is an entry in ClinVar:

NM_145064.3(STAC3):c.652G>A (p.Glu218Lys)

Gene: STAC3 (SH3 and cysteine rich domain 3; minus strand). Cytogenetic location: 12q13.3.
Variant type: single nucleotide variant.
Coding change: c.652G>A on transcript NM_145064.3 (MANE Select); coding-DNA position 652, G replaced by A.
Protein change: p.Glu218Lys; replaces glutamic acid 218 with lysine.
Molecular consequence: missense variant.
Genome position (GRCh38, 1-based): chr12:57,245,163, C>T on the plus strand (G>A on the coding strand, the complement: STAC3 is on the minus strand). VCF-style: chr12-57245163-C-T. GRCh37 (hg19) VCF-style: chr12-57638946-C-T.
Other names: c.535G>A, p.Glu179Lys (NM_001286256.2); c.94G>A, p.Glu32Lys (NM_001286257.2); short protein forms E218K, E32K, E179K.
Identifiers: ClinVar variation 1521687 (VCV001521687.8), dbSNP rs753872266, ClinGen allele CA6647063.

ClinVar aggregate classification (germline): Uncertain significance (1 of 4 stars; one submission).

Conditions:
Bailey-Bloch congenital myopathy (CMYO13). Also called: Native American myopathy; Congenital myopathy 13; STAC3 disorder. Identifiers: Orphanet 168572, MedGen C1850625, MONDO:0009722, OMIM 255995.

Allele frequency attached by ClinVar (database versions not stated): gnomAD exomes below 0.00001; ExAC 0.00001.
gnomAD v4.1: 2 of 1,614,134 alleles (0.00012%); highest among the groups gnomAD compares: Admixed American, 0.0033%; no homozygotes.

Submission:

Labcorp Genetics (formerly Invitae), Labcorp
Classification: Uncertain significance for Bailey-Bloch congenital myopathy. Last evaluated: 2021-04-01. Review status: criteria provided, single submitter. Criteria: Invitae Variant Classification Sherloc (09022015). Collection method: clinical testing. Allele origin: germline.
Comment: In summary, the available evidence is currently insufficient to determine the role of this variant in disease. Therefore, it has been classified as a Variant of Uncertain Significance. Algorithms developed to predict the effect of missense changes on protein structure and function (SIFT, PolyPhen-2, Align-GVGD) all suggest that this variant is likely to be tolerated, but these predictions have not been confirmed by published functional studies and their clinical significance is uncertain. This variant has not been reported in the literature in individuals with STAC3-related conditions. This variant is present in population databases (rs753872266, ExAC 0.009%). This sequence change replaces glutamic acid with lysine at codon 218 of the STAC3 protein (p.Glu218Lys). The glutamic acid residue is moderately conserved and there is a small physicochemical difference between glutamic acid and lysine.